The following is an entry in ClinVar:

ClinVar aggregate classification (germline): Uncertain significance (1 of 4 stars; one submission).

gnomAD v4.1: 7 of 1,210,692 alleles (0.00058%); highest among the groups gnomAD compares: South Asian, 0.012%; no homozygotes.

Submission:

Ambry Genetics
Classification: Uncertain significance. Last evaluated: 2026-02-26. Review status: criteria provided, single submitter. Criteria: Ambry Variant Classification Scheme 2023. Collection method: clinical testing. Allele origin: germline.
Comment: The c.1049C>A (p.A350D) alteration is located in exon 5 (coding exon 4) of the SERPINA7 gene. This alteration results from a C to A substitution at nucleotide position 1049, causing the alanine (A) at amino acid position 350 to be replaced by an aspartic acid (D). Based on data from gnomAD, the A allele has an overall frequency of <0.001% (1/183008) total alleles studied. The highest observed frequency was 0.005% (1/19077) of South Asian alleles. Based on insufficient or conflicting evidence, the clinical significance of this alteration remains unclear.

NM_000354.6(SERPINA7):c.1049C>A (p.Ala350Asp)

Gene: SERPINA7 (serpin family A member 7; minus strand). Cytogenetic location: Xq22.3.
Variant type: single nucleotide variant.
Coding change: c.1049C>A on transcript NM_000354.6 (MANE Select); coding-DNA position 1049, C replaced by A.
Protein change: p.Ala350Asp; replaces alanine 350 with aspartic acid.
Molecular consequence: missense variant.
Genome position (GRCh38, 1-based): chrX:106,033,699, G>T on the plus strand (C>A on the coding strand, the complement: SERPINA7 is on the minus strand). VCF-style: chrX-106033699-G-T. GRCh37 (hg19) VCF-style: chrX-105277690-G-T.
Other names: short protein forms A350D.
Identifiers: ClinVar variation 4840624 (VCV004840624.1).